The following is an entry in ClinVar:

ClinVar aggregate classification (germline): Likely pathogenic (1 of 4 stars; one submission).

Conditions:
PIEZO1-related disorder. Also called: PIEZO1-related condition; PIEZO1-Related Disorders.

Submission:

PreventionGenetics, part of Exact Sciences
Classification: Likely pathogenic for PIEZO1-related condition. Last evaluated: 2026-03-23. Review status: criteria provided, single submitter. Criteria: ACMG Guidelines, 2015. Collection method: clinical testing. Allele origin: germline.
Comment: The PIEZO1 c.5630_5636dup7 variant is predicted to result in a frameshift and premature protein termination (p.Gly1880Glufs*15). To our knowledge, this variant has not been reported in the literature or in a large population database (gnomAD), indicating this variant is rare. Frameshift variants in PIEZO1 are expected to be pathogenic. This variant is interpreted as likely pathogenic.

NM_001142864.4(PIEZO1):c.5630_5636dup (p.Gly1880fs)

Gene: PIEZO1 (piezo type mechanosensitive ion channel component 1 (Er blood group); minus strand). Cytogenetic location: 16q24.3.
Variant type: Microsatellite.
Coding change: c.5630_5636dup on transcript NM_001142864.4 (MANE Select); coding-DNA positions 5630 to 5636, 7 bases duplicated (AGAAGGA; older notation c.5630_5636dupAGAAGGA).
Protein change: p.Gly1880fs; shifts the reading frame from glycine 1880.
Molecular consequence: frameshift variant.
Genome position (GRCh38, 1-based): chr16:88,721,198-88,721,204, TCCTTCT duplicated on the plus strand (AGAAGGA on the coding strand, the reverse complement: PIEZO1 is on the minus strand); duplicating any 7 consecutive bases within chr16:88,721,198-88,721,213 gives the same sequence; the c. name uses the placement nearest the transcript's 3' end. VCF-style (leftmost placement, unchanged base first): chr16-88721197-C-CTCCTTCT. GRCh37 (hg19) VCF-style: chr16-88787605-C-CTCCTTCT.
Other names: short protein forms G1880fs.
Identifiers: ClinVar variation 4984509 (VCV004984509.1).